The following is an entry in ClinVar:

ClinVar aggregate classification (germline): Uncertain significance. Review status: criteria provided, multiple submitters, no conflicts (2 of 4 stars). 2 submissions from 2 submitters: Uncertain significance (2). Last evaluated 2023-12-18.

Allele frequency attached by ClinVar (database versions not stated): 1000 Genomes Project 30x 0.00016; gnomAD 0.00017; 1000 Genomes Project 0.00020; ESP Exome Variant Server 0.00023.
gnomAD v4.1: 332 of 1,613,956 alleles (0.021%); highest among the groups gnomAD compares: African/African-American, 0.049%; no homozygotes.

Submissions (2):

Ambry Genetics
Classification: Uncertain significance. Last evaluated: 2023-12-18. Review status: criteria provided, single submitter. Criteria: Ambry Variant Classification Scheme 2023. Collection method: clinical testing. Allele origin: germline.

Labcorp Genetics (formerly Invitae), Labcorp
Classification: Uncertain significance. Last evaluated: 2022-11-15. Review status: criteria provided, single submitter. Criteria: Invitae Variant Classification Sherloc (09022015). Collection method: clinical testing. Allele origin: germline.
Comment: Advanced modeling of protein sequence and biophysical properties (such as structural, functional, and spatial information, amino acid conservation, physicochemical variation, residue mobility, and thermodynamic stability) performed at Invitae indicates that this missense variant is not expected to disrupt SLC36A2 protein function. In summary, the available evidence is currently insufficient to determine the role of this variant in disease. Therefore, it has been classified as a Variant of Uncertain Significance. This variant has not been reported in the literature in individuals affected with SLC36A2-related conditions. This variant is present in population databases (rs141645834, gnomAD 0.07%), and has an allele count higher than expected for a pathogenic variant. This sequence change replaces arginine, which is basic and polar, with tryptophan, which is neutral and slightly polar, at codon 320 of the SLC36A2 protein (p.Arg320Trp).

NM_181776.3(SLC36A2):c.958C>T (p.Arg320Trp)

Gene: SLC36A2 (solute carrier family 36 member 2; minus strand). Cytogenetic location: 5q33.1.
Variant type: single nucleotide variant.
Coding change: c.958C>T on transcript NM_181776.3 (MANE Select); coding-DNA position 958, C replaced by T.
Protein change: p.Arg320Trp; replaces arginine 320 with tryptophan.
Molecular consequence: missense variant.
Genome position (GRCh38, 1-based): chr5:151,325,338, G>A on the plus strand (C>T on the coding strand, the complement: SLC36A2 is on the minus strand). VCF-style: chr5-151325338-G-A. GRCh37 (hg19) VCF-style: chr5-150704899-G-A.
Other names: c.958C>T (NM_181776.2); short protein forms R320W.
Identifiers: ClinVar variation 2198498 (VCV002198498.5), dbSNP rs141645834, ClinGen allele CA3518690.